The following is an entry in ClinVar:

ClinVar aggregate classification (germline): Benign. Review status: criteria provided, multiple submitters, no conflicts (2 of 4 stars). 3 submissions from 3 submitters: Benign (3). Last evaluated 2021-05-12.

Conditions:
Familial hyperaldosteronism type III. Also called: FH III; Familial hyperaldosteronism type 3. Identifiers: Orphanet 251274, MedGen C3838758, MONDO:0013359, OMIM 613677.

Allele frequency attached by ClinVar (database versions not stated): gnomAD 0.82830 and 0.83029; 1000 Genomes Project 30x 0.85119; TOPMed 0.83223; 1000 Genomes Project 0.85423.

Submissions (3):

GeneDx
Classification: Benign. Last evaluated: 2021-05-12. Review status: criteria provided, single submitter. Criteria: GeneDx Variant Classification Process June 2021. Collection method: clinical testing. Allele origin: germline. Affected: yes.

Illumina Laboratory Services, Illumina
Classification: Benign for Familial hyperaldosteronism type III. Last evaluated: 2018-01-13. Review status: criteria provided, single submitter. Criteria: ICSL Variant Classification Criteria 13 December 2019. Collection method: clinical testing. Allele origin: germline.
Comment: This variant was observed in the ICSL laboratory as part of a predisposition screen in an ostensibly healthy population. It had not been previously curated by ICSL or reported in the Human Gene Mutation Database (HGMD: prior to June 1st, 2018), and was therefore a candidate for classification through an automated scoring system. Utilizing variant allele frequency, disease prevalence and penetrance estimates, and inheritance mode, an automated score was calculated to assess if this variant is too frequent to cause the disease. Based on the score and internal cut-off values, a variant classified as benign is not then subjected to further curation. The score for this variant resulted in a classification of benign for this disease.

Breakthrough Genomics
Classification: Benign. Review status: criteria provided, single submitter. Criteria: ACMG Guidelines, 2015. Collection method: not provided. Allele origin: germline. Inheritance: Autosomal dominant inheritance. Affected: yes.

NM_000890.5(KCNJ5):c.*928C>T

Gene: KCNJ5 (potassium inwardly rectifying channel subfamily J member 5; plus strand). Cytogenetic location: 11q24.3.
Variant type: single nucleotide variant.
Coding change: c.*928C>T on transcript NM_000890.5 (MANE Select); 928 bases downstream of the stop codon, C replaced by T.
Molecular consequence: 3 prime UTR variant.
Genome position (GRCh38, 1-based): chr11:128,917,659, C>T. VCF-style: chr11-128917659-C-T. GRCh37 (hg19) VCF-style: chr11-128787554-C-T.
Other names: c.*928C>T (LRG_333t1, NM_001354169.2).
Identifiers: ClinVar variation 303652 (VCV000303652.9), dbSNP rs7925056, ClinGen allele CA10638521.